The following is an entry in ClinVar:

NM_213655.5(WNK1):c.3274C>T (p.Gln1092Ter)

Gene: WNK1 (WNK lysine deficient protein kinase 1; plus strand). Cytogenetic location: 12p13.33.
Variant type: single nucleotide variant.
Coding change: c.3274C>T on transcript NM_213655.5 (MANE Plus Clinical); coding-DNA position 3274, C replaced by T.
Protein change: p.Gln1092Ter; replaces glutamine 1092 with a stop codon.
Molecular consequence: nonsense. On other transcripts: intron variant (2).
Genome position (GRCh38, 1-based): chr12:868,745, C>T. VCF-style: chr12-868745-C-T. GRCh37 (hg19) VCF-style: chr12-977911-C-T.
Other names: c.3019C>T, p.Gln1007Ter (NM_001184985.2); c.2140-2520C>T (NM_018979.4, NM_014823.3); short protein forms Q1092*, Q1007*.
Identifiers: ClinVar variation 1729654 (VCV001729654.2), dbSNP rs2548800660, ClinGen allele CA383341750.

ClinVar aggregate classification (germline): Pathogenic (1 of 4 stars; one submission).

Conditions:
Inborn genetic diseases. Identifiers: MedGen C0950123, MeSH D030342.

Allele frequency attached by ClinVar (database versions not stated): gnomAD exomes below 0.00001.
gnomAD v4.1: 2 of 1,613,990 alleles (0.00012%); highest among the groups gnomAD compares: South Asian, 0.0022%; no homozygotes.

Submission:

Ambry Genetics
Classification: Pathogenic for Inborn genetic diseases. Last evaluated: 2021-03-18. Review status: criteria provided, single submitter. Criteria: Ambry Variant Classification Scheme 2023. Collection method: clinical testing. Allele origin: germline.
Comment: The p.Q1092* variant (also known as c.3274C>T), located in coding exon 10 of the WNK1 gene, results from a C to T substitution at nucleotide position 3274. This changes the amino acid from a glutamine to a stop codon within coding exon 10. This alteration is expected to result in loss of function by premature protein truncation or nonsense-mediated mRNA decay. As such, this alteration is interpreted as a disease-causing mutation.